The following is an entry in ClinVar:

ClinVar aggregate classification (germline): Uncertain significance (1 of 4 stars; one submission).

Conditions:
Cardiovascular phenotype. Identifiers: MedGen CN230736.

gnomAD v4.1: 13 of 1,549,778 alleles (0.00084%); highest among the groups gnomAD compares: Middle Eastern, 0.017%; no homozygotes.

Submission:

Ambry Genetics
Classification: Uncertain significance for Cardiovascular phenotype. Last evaluated: 2022-12-06. Review status: criteria provided, single submitter. Criteria: Ambry Variant Classification Scheme 2023. Collection method: clinical testing. Allele origin: germline.
Comment: The p.R347L variant (also known as c.1040G>T), located in coding exon 1 of the ZNF469 gene, results from a G to T substitution at nucleotide position 1040. The arginine at codon 347 is replaced by leucine, an amino acid with dissimilar properties. This amino acid position is conserved. In addition, this alteration is predicted to be tolerated by in silico analysis. Since supporting evidence is limited at this time, the clinical significance of this alteration remains unclear.

NM_001367624.2(ZNF469):c.1040G>T (p.Arg347Leu)

Gene: ZNF469 (zinc finger protein 469; plus strand). Cytogenetic location: 16q24.2.
Variant type: single nucleotide variant.
Coding change: c.1040G>T on transcript NM_001367624.2 (MANE Select); coding-DNA position 1040, G replaced by T.
Protein change: p.Arg347Leu; replaces arginine 347 with leucine.
Molecular consequence: missense variant.
Genome position (GRCh38, 1-based): chr16:88,428,510, G>T. VCF-style: chr16-88428510-G-T. GRCh37 (hg19) VCF-style: chr16-88494918-G-T.
Other names: NM_001127464.1:c.1040G>T; short protein forms R347L.
Identifiers: ClinVar variation 2449454 (VCV002449454.2), dbSNP rs865907429, ClinGen allele CA397062820.